The following is an entry in ClinVar:

NM_001034853.2(RPGR):c.2469del (p.Gly824fs)

Gene: RPGR (retinitis pigmentosa GTPase regulator; minus strand). Cytogenetic location: Xp11.4.
Variant type: Deletion.
Coding change: c.2469del on transcript NM_001034853.2 (MANE Select); coding-DNA position 2469, one base deleted (A; older notation c.2469delA).
Protein change: p.Gly824fs; shifts the reading frame from glycine 824.
Molecular consequence: frameshift variant. On other transcripts: intron variant (8).
Genome position (GRCh38, 1-based): chrX:38,286,530, T deleted on the plus strand (A on the coding strand, the reverse complement: RPGR is on the minus strand); the first of 3 consecutive T bases (chrX:38,286,530-38,286,532); deleting any one gives the same sequence. VCF-style (leftmost placement, unchanged base first): chrX-38286529-CT-C. GRCh37 (hg19) VCF-style: chrX-38145782-CT-C.
Other names: c.1569+4429del (NM_001367249.1, NM_001367250.1); c.1902+564del (NM_001367245.1); c.1386+4429del (NM_001367251.1); c.1719+564del (NM_001367246.1); c.1572+4429del (NM_001367247.1); c.1905+564del (NM_000328.3); c.1602+4429del (NM_001367248.1); short protein forms G824fs.
Identifiers: ClinVar variation 2808303 (VCV002808303.3), dbSNP rs2519790671, ClinGen allele CA2579584450.

ClinVar aggregate classification (germline): Pathogenic (1 of 4 stars; one submission).

Conditions:
Primary ciliary dyskinesia. Also called: Ciliary dyskinesia. Identifiers: Orphanet 244, MedGen C0008780, MONDO:0016575, HP:0012265.

Submission:

Labcorp Genetics (formerly Invitae), Labcorp
Classification: Pathogenic for Primary ciliary dyskinesia. Last evaluated: 2022-10-12. Review status: criteria provided, single submitter. Criteria: Invitae Variant Classification Sherloc (09022015). Collection method: clinical testing. Allele origin: germline.
Comment: This sequence change creates a premature translational stop signal (p.Gly824Glufs*265) in the RPGR (ORF15) gene. While this is not anticipated to result in nonsense mediated decay, it is expected to disrupt the last 329 amino acid(s) of the RPGR (ORF15) protein. For these reasons, this variant has been classified as Pathogenic. This variant disrupts a region of the RPGR (ORF15) protein in which other variant(s) (p.Leu1130Lysfs*13) have been determined to be pathogenic (PMID: 22264887). This suggests that this is a clinically significant region of the protein, and that variants that disrupt it are likely to be disease-causing. This variant has not been reported in the literature in individuals affected with RPGR (ORF15)-related conditions. This variant is not present in population databases (gnomAD no frequency).

Literature cited by the submitters: PubMed 22264887.